The following is an entry in ClinVar:

NM_001267550.2(TTN):c.91332C>T (p.Asn30444=)

Genes: TTN (titin; minus strand), TTN-AS1 (TTN antisense RNA 1; plus strand). Cytogenetic location: 2q31.2.
Variant type: single nucleotide variant.
Coding change: c.91332C>T on transcript NM_001267550.2 (MANE Select); coding-DNA position 91332, C replaced by T.
Protein change: p.Asn30444=; no amino-acid change (asparagine 30444 retained).
Molecular consequence: synonymous variant.
Genome position (GRCh38, 1-based): chr2:178,551,199, G>A on the plus strand (C>T on the coding strand, the complement: TTN is on the minus strand). VCF-style: chr2-178551199-G-A. GRCh37 (hg19) VCF-style: chr2-179415926-G-A.
Other names: c.83628C>T, p.Asn27876= (NM_133378.4); c.86409C>T, p.Asn28803= (NM_001256850.1); c.64137C>T, p.Asn21379= (NM_003319.4); c.64512C>T, p.Asn21504= (NM_133432.3); c.64713C>T, p.Asn21571= (NM_133437.4).
Identifiers: ClinVar variation 47505 (VCV000047505.20), dbSNP rs397517752, ClinGen allele CA141206.

ClinVar aggregate classification (germline): Likely benign. Review status: criteria provided, multiple submitters, no conflicts (2 of 4 stars). 6 submissions from 6 submitters: Likely benign (6). Last evaluated 2026-07-01.

Conditions:
TTN-related disorder. Also called: TTN-related disorders; TTN-related condition; TTN-related disease.
Cardiovascular phenotype. Identifiers: MedGen CN230736.
Autosomal recessive limb-girdle muscular dystrophy type 2J (LGMDR10). Also called: MUSCULAR DYSTROPHY, LIMB-GIRDLE, AUTOSOMAL RECESSIVE 10; Limb-girdle muscular dystrophy, type 2J. Identifiers: Orphanet 140922, MedGen C1837342, MONDO:0012127, OMIM 608807.
Dilated cardiomyopathy 1G (CMD1G). Identifiers: Orphanet 154, MedGen C1858763, MONDO:0011400, OMIM 604145.

Allele frequency attached by ClinVar (database versions not stated): gnomAD 0.00003 and 0.00004; gnomAD exomes 0.00001; TOPMed 0.00003; ExAC 0.00001.
gnomAD v4.1: 8 of 1,613,366 alleles (0.0005%); highest among the groups gnomAD compares: Admixed American, 0.0083%; no homozygotes.

Submissions (6):

CeGaT Center for Human Genetics Tuebingen
Classification: Likely benign. Last evaluated: 2026-07-01. Review status: criteria provided, single submitter. Criteria: CeGaT Center For Human Genetics Tuebingen Variant Classification Criteria Version 2. Collection method: clinical testing. Allele origin: germline. Affected: yes. Observed: 1 variant allele.
Comment: TTN: BP4, BP7

PreventionGenetics, part of Exact Sciences
Classification: Likely benign for TTN-related condition. Last evaluated: 2026-04-27. Review status: criteria provided, single submitter. Criteria: ACMG Guidelines, 2015. Collection method: clinical testing. Allele origin: germline.
Comment: This variant is classified as likely benign based on ACMG/AMP sequence variant interpretation guidelines (Richards et al. 2015 PMID: 25741868, with internal and published modifications).

Labcorp Genetics (formerly Invitae), Labcorp
Classification: Likely benign for Dilated cardiomyopathy 1G; Autosomal recessive limb-girdle muscular dystrophy type 2J. Last evaluated: 2025-10-18. Review status: criteria provided, single submitter. Criteria: Invitae Variant Classification Sherloc (09022015). Collection method: clinical testing. Allele origin: germline.

Women's Health and Genetics/Laboratory Corporation of America, LabCorp
Classification: Likely benign. Last evaluated: 2023-08-19. Review status: criteria provided, single submitter. Criteria: LabCorp Variant Classification Summary - May 2015. Collection method: clinical testing. Allele origin: germline.

Ambry Genetics
Classification: Likely benign for Cardiovascular phenotype. Last evaluated: 2021-02-08. Review status: criteria provided, single submitter. Criteria: Ambry Variant Classification Scheme 2023. Collection method: clinical testing. Allele origin: germline.

Laboratory for Molecular Medicine, Mass General Brigham Personalized Medicine
Classification: Likely benign. Last evaluated: 2012-06-06. Review status: criteria provided, single submitter. Criteria: LMM Criteria. Collection method: clinical testing. Allele origin: germline. Observed: 1 variant allele.
Comment: Asn27876Asn in exon 285 of TTN: This variant is not expected to have clinical si gnificance because it does not alter an amino acid residue and is not located wi thin the splice consensus sequence. Asn27876Asn in exon 285 of TTN (allele fre quency = n/a)